The following is an entry in ClinVar:

ClinVar aggregate classification (germline): Likely pathogenic (1 of 4 stars; one submission).

Conditions:
Floating-Harbor syndrome (FLHS). Also called: Short stature with delayed bone age, expressive language delay, a triangular face with a prominent nose and deep-set eyes; Pelletier-Leisti syndrome; SRCAP-Related Floating-Harbor Syndrome. Identifiers: Orphanet 2044, MedGen C0729582, MONDO:0007621, OMIM 136140.

Submission:

Department of Endocrinology, Genetics and Metabolism, Beijing Children’s Hospital, Capital Medical University
Classification: Likely pathogenic for Floating-Harbor syndrome. Last evaluated: 2025-10-30. Review status: criteria provided, single submitter. Criteria: ACMG Guidelines, 2015. Collection method: research. Allele origin: germline. Affected: yes. Observed: 1 variant allele.
Comment: PVS1;PM2

NM_006662.3(SRCAP):c.7225dup (p.Ala2409fs)

Gene: SRCAP (Snf2 related CREBBP activator protein; plus strand). Cytogenetic location: 16p11.2.
Variant type: Duplication.
Coding change: c.7225dup on transcript NM_006662.3 (MANE Select); coding-DNA position 7225, one base duplicated (G; older notation c.7225dupG).
Protein change: p.Ala2409fs; shifts the reading frame from alanine 2409.
Molecular consequence: frameshift variant.
Genome position (GRCh38, 1-based): chr16:30,737,265, G duplicated; the last of 4 consecutive G bases (chr16:30,737,262-30,737,265); duplicating any one gives the same sequence. VCF-style (leftmost placement, unchanged base first): chr16-30737261-A-AG. GRCh37 (hg19) VCF-style: chr16-30748582-A-AG.
Other names: c.7225dupG (NM_006662.3); short protein forms A2409fs.
Identifiers: ClinVar variation 4528337 (VCV004528337.1).